The following is an entry in ClinVar:

NM_006531.5(IFT88):c.1574-11_1574-9del

Gene: IFT88 (intraflagellar transport 88; plus strand). Cytogenetic location: 13q12.11.
Variant type: Microsatellite.
Coding change: c.1574-11_1574-9del on transcript NM_006531.5 (MANE Select); 11 bases into the intron before coding-DNA position 1574 through 9 bases into the intron before coding-DNA position 1574, 3 bases deleted (CTT; older notation c.1574-11_1574-9delCTT).
Molecular consequence: intron variant.
Genome position (GRCh38, 1-based): chr13:20,641,279-20,641,281, CTT deleted; deleting any 3 consecutive bases within chr13:20,641,274-20,641,281 gives the same sequence; the c. name uses the placement nearest the transcript's 3' end. VCF-style (leftmost placement, unchanged base first): chr13-20641273-TTTC-T. GRCh37 (hg19) VCF-style: chr13-21215412-TTTC-T.
Other names: c.1601-11_1601-9delCTT (NM_175605.4); c.1601-11_1601-9del (NM_001318493.2, NM_175605.5, NM_001353566.2 and 2 more transcripts); c.1574-11_1574-9del (NM_001353568.2, NM_001353572.2); c.1499-11_1499-9del (NM_001353570.2, NM_001353576.2, NM_001353577.2 and 1 more transcripts); c.1472-11_1472-9del (NM_001353571.2, NM_001353578.2); c.941-11_941-9del (NM_001353579.2); c.1517-11_1517-9del (NM_001353575.2, NM_001318491.2); c.1430-11_1430-9del (NM_001353573.2); and 1 more.
Identifiers: ClinVar variation 1904486 (VCV001904486.6), dbSNP rs757330394, ClinGen allele CA6905459.

ClinVar aggregate classification (germline): Likely benign. Review status: criteria provided, multiple submitters, no conflicts (2 of 4 stars). 2 submissions from 2 submitters: Likely benign (2). Last evaluated 2026-01-18.

Conditions:
IFT88-related disorder. Also called: IFT88-related condition.

Submissions (2):

PreventionGenetics, part of Exact Sciences
Classification: Likely benign for IFT88-related condition. Last evaluated: 2026-01-18. Review status: criteria provided, single submitter. Criteria: ACMG Guidelines, 2015. Collection method: clinical testing. Allele origin: germline.
Comment: This variant is classified as likely benign based on ACMG/AMP sequence variant interpretation guidelines (Richards et al. 2015 PMID: 25741868, with internal and published modifications).

Labcorp Genetics (formerly Invitae), Labcorp
Classification: Likely benign. Last evaluated: 2024-02-17. Review status: criteria provided, single submitter. Criteria: Invitae Variant Classification Sherloc (09022015). Collection method: clinical testing. Allele origin: germline.